The following is an entry in ClinVar:

ClinVar aggregate classification (germline): Uncertain significance (1 of 4 stars; one submission).

Conditions:
Hereditary cancer-predisposing syndrome. Also called: Neoplastic Syndromes, Hereditary; Tumor predisposition; Hereditary neoplastic syndrome; Hereditary Cancer Syndrome. Identifiers: Orphanet 140162, MedGen C0027672, MeSH D009386, MONDO:0015356.

Allele frequency attached by ClinVar (database versions not stated): gnomAD exomes below 0.00001.

Submission:

Ambry Genetics
Classification: Uncertain significance for Hereditary cancer-predisposing syndrome. Last evaluated: 2022-09-20. Review status: criteria provided, single submitter. Criteria: Ambry Variant Classification Scheme 2023. Collection method: clinical testing. Allele origin: germline.
Comment: The p.L1173F variant (also known as c.3517C>T), located in coding exon 17 of the BLM gene, results from a C to T substitution at nucleotide position 3517. The leucine at codon 1173 is replaced by phenylalanine, an amino acid with highly similar properties. This amino acid position is poorly conserved in available vertebrate species. In addition, this alteration is predicted to be tolerated by in silico analysis. Since supporting evidence is limited at this time, the clinical significance of this alteration remains unclear.

NM_000057.4(BLM):c.3517C>T (p.Leu1173Phe)

Gene: BLM (BLM RecQ like helicase; plus strand). Cytogenetic location: 15q26.1.
Variant type: single nucleotide variant.
Coding change: c.3517C>T on transcript NM_000057.4 (MANE Select); coding-DNA position 3517, C replaced by T.
Protein change: p.Leu1173Phe; replaces leucine 1173 with phenylalanine.
Molecular consequence: missense variant. On other transcripts: intron variant (1).
Genome position (GRCh38, 1-based): chr15:90,803,679, C>T. VCF-style: chr15-90803679-C-T. GRCh37 (hg19) VCF-style: chr15-91346909-C-T.
Other names: c.3517C>T, p.Leu1173Phe (NM_001287246.2); c.2392C>T, p.Leu798Phe (NM_001287248.2); c.3358+5342C>T (NM_001287247.2); short protein forms L798F, L1173F.
Identifiers: ClinVar variation 823872 (VCV000823872.4), dbSNP rs1596267698, ClinGen allele CA393847774.
Genomic context (GRCh38, chr15:90,803,679, plus strand): 5'-AAGATTTTGGATGAAGACTTATATATCAATGCCAATGACCAGGCGATCGCTTATGTGATG[C>T]TCGGAAATAAAGCCCAAACTGTACTAAATGGCAATTTAAAGGTATAGTATTTTTCATGTT-3'
Protein context (NP_000048.1, residues 1163-1183): ANDQAIAYVM[Leu1173Phe]GNKAQTVLNG